The following is an entry in ClinVar:

ClinVar aggregate classification (germline): Pathogenic. Review status: criteria provided, multiple submitters, no conflicts (2 of 4 stars). 2 submissions from 2 submitters: Pathogenic (2). Last evaluated 2024-09-23.

Conditions:
Hypertrophic cardiomyopathy. Also called: HYPERTROPHIC MYOCARDIOPATHY. Identifiers: Orphanet 217569, MedGen C0007194, MeSH D002312, MONDO:0005045, HP:0001639.
Hypertrophic cardiomyopathy 4. Also called: Familial hypertrophic cardiomyopathy 4. Identifiers: MedGen C1861862, MONDO:0007268, OMIM 115197.

Submissions (2):

Victorian Clinical Genetics Services, Murdoch Childrens Research Institute
Classification: Pathogenic for Hypertrophic cardiomyopathy 4. Last evaluated: 2024-09-23. Review status: criteria provided, single submitter. Criteria: ACMG Guidelines, 2015. Collection method: clinical testing. Allele origin: germline. Inheritance: Autosomal dominant inheritance. Affected: yes.
Comment: Based on the classification scheme VCGS_Germline_v1.3.4, this variant is classified as Pathogenic. Following criteria are met: 0102 - Loss of function is a known mechanism of disease in this gene and is associated with hypertrophic cardiomyopathy 4 (HCM; MIM#115197). (I) 0108 - This gene is associated with both recessive and dominant disease. Dominant inheritance is frequently reported in adult onset conditions and recessive inheritance results in a more severe early onset phenotype (OMIM). (I) 0115 - Variants in this gene are known to have variable expressivity (PMID: 32841044). (I) 0201 - Variant is predicted to cause nonsense-mediated decay (NMD) and loss of protein (premature termination codon is located at least 54 nucleotides upstream of the final exon-exon junction). (SP) 0251 - This variant is heterozygous. (I) 0301 - Variant is absent from gnomAD (both v2 and v3). (SP) 0701 - Other NMD predicted variants comparable to the one identified in this case have very strong previous evidence for pathogenicity (DECIPHER). (SP) 0807 - This variant has no previous evidence of pathogenicity. (I) 0905 - No published segregation evidence has been identified for this variant. (I) 1007 - No published functional evidence has been identified for this variant. (I) 1208 - Inheritance information for this variant is not currently available in this individual. (I) Legend: (SP) - Supporting pathogenic, (I) - Information, (SB) - Supporting benign

Labcorp Genetics (formerly Invitae), Labcorp
Classification: Pathogenic for Hypertrophic cardiomyopathy. Last evaluated: 2023-11-27. Review status: criteria provided, single submitter. Criteria: Invitae Variant Classification Sherloc (09022015). Collection method: clinical testing. Allele origin: germline.
Comment: This sequence change creates a premature translational stop signal (p.Glu112Glyfs*8) in the MYBPC3 gene. It is expected to result in an absent or disrupted protein product. Loss-of-function variants in MYBPC3 are known to be pathogenic (PMID: 19574547). This variant is not present in population databases (gnomAD no frequency). This variant has not been reported in the literature in individuals affected with MYBPC3-related conditions. For these reasons, this variant has been classified as Pathogenic.

Literature cited by the submitters: PubMed 32841044 (cited by Victorian Clinical Genetics Services, Murdoch Childrens Research Institute); PubMed 19574547 (cited by Labcorp Genetics (formerly Invitae), Labcorp).

NM_000256.3(MYBPC3):c.313_334dup (p.Glu112delinsGlyProCysProCysProCysTer)

Gene: MYBPC3 (myosin binding protein C3; minus strand). Cytogenetic location: 11p11.2.
Variant type: Duplication.
Coding change: c.313_334dup on transcript NM_000256.3 (MANE Select); coding-DNA positions 313 to 334, 22 bases duplicated (GCCCCTGCCCCTGCCCCTGCTG).
Protein change: p.Glu112delinsGlyProCysProCysProCysTer.
Molecular consequence: nonsense.
Genome position (GRCh38, 1-based): chr11:47,350,574-47,350,595, CAGCAGGGGCAGGGGCAGGGGC duplicated on the plus strand (GCCCCTGCCCCTGCCCCTGCTG on the coding strand, the reverse complement: MYBPC3 is on the minus strand); duplicating any 22 consecutive bases within chr11:47,350,574-47,350,600 gives the same sequence; the c. name uses the placement nearest the transcript's 3' end. VCF-style (leftmost placement, unchanged base first): chr11-47350573-T-TCAGCAGGGGCAGGGGCAGGGGC. GRCh37 (hg19) VCF-style: chr11-47372124-T-TCAGCAGGGGCAGGGGCAGGGGC.
Identifiers: ClinVar variation 2755478 (VCV002755478.4), dbSNP rs2495783722, ClinGen allele CA2695196526.